The following is an entry in ClinVar:

ClinVar aggregate classification (germline): Uncertain significance (1 of 4 stars; one submission).

Conditions:
Cardiovascular phenotype. Identifiers: MedGen CN230736.

Submission:

Ambry Genetics
Classification: Uncertain significance for Cardiovascular phenotype. Last evaluated: 2020-12-03. Review status: criteria provided, single submitter. Criteria: Ambry Variant Classification Scheme 2023. Collection method: clinical testing. Allele origin: germline.
Comment: The p.I683L variant (also known as c.2047A>C), located in coding exon 12 of the LDB3 gene, results from an A to C substitution at nucleotide position 2047. The isoleucine at codon 683 is replaced by leucine, an amino acid with highly similar properties. This amino acid position is highly conserved in available vertebrate species. In addition, the in silico prediction for this alteration is inconclusive. Since supporting evidence is limited at this time, the clinical significance of this alteration remains unclear.

NM_007078.3(LDB3):c.2047A>C (p.Ile683Leu)

Gene: LDB3 (LIM domain binding 3; plus strand). Cytogenetic location: 10q23.2.
Variant type: single nucleotide variant.
Coding change: c.2047A>C on transcript NM_007078.3 (MANE Select); coding-DNA position 2047, A replaced by C.
Protein change: p.Ile683Leu; replaces isoleucine 683 with leucine.
Molecular consequence: missense variant.
Genome position (GRCh38, 1-based): chr10:86,726,205, A>C. VCF-style: chr10-86726205-A-C. GRCh37 (hg19) VCF-style: chr10-88485962-A-C.
Other names: c.1717A>C, p.Ile573Leu (NM_001080114.2); c.2062A>C, p.Ile688Leu (NM_001171610.2); c.1858A>C, p.Ile620Leu (NM_001368064.1, NM_001368065.1); c.1906A>C, p.Ile636Leu (NM_001368066.1); short protein forms I573L, I636L, I620L, I688L, I683L.
Identifiers: ClinVar variation 1784985 (VCV001784985.2), dbSNP rs2492851070, ClinGen allele CA377457555.